The following is an entry in ClinVar:

ClinVar aggregate classification (germline): Uncertain significance (1 of 4 stars; one submission).

Conditions:
Tuberous sclerosis 1 (TSC1). Identifiers: Orphanet 805, MedGen C1854465, MONDO:0008612, OMIM 191100.

Submission:

Labcorp Genetics (formerly Invitae), Labcorp
Classification: Uncertain significance for Tuberous sclerosis 1. Last evaluated: 2019-12-23. Review status: criteria provided, single submitter. Criteria: Invitae Variant Classification Sherloc (09022015). Collection method: clinical testing. Allele origin: germline.
Comment: In summary, the available evidence is currently insufficient to determine the role of this variant in disease. Therefore, it has been classified as a Variant of Uncertain Significance. Experimental studies and prediction algorithms are not available or were not evaluated, and the functional significance of this variant is currently unknown. This variant has not been reported in the literature in individuals with TSC1-related conditions. This variant is a complex rearrangement that results in the inversion of approximately 1.2 Mb and the insertion of two nucleotides (chr9:g.135771850_137038881inv_insAT). The 5' end of this event extends beyond the assayed region for this gene and may encompass additional genes. The 3' end is in exon 23.

NC_000009.11:g.(?_135771850)_(137038881_?)dup

Genes: ABO (ABO, alpha 1-3-N-acetylgalactosaminyltransferase and alpha 1-3-galactosyltransferase; minus strand), ADAMTS13 (ADAM metallopeptidase with thrombospondin type 1 motif 13; plus strand), ADAMTSL2 (ADAMTS like 2; plus strand), BRD3 (bromodomain containing 3; minus strand), CACFD1 (calcium channel flower domain containing 1; plus strand) and 23 more. Cytogenetic location: 9q34.13-34.2.
Variant type: Duplication.
Identifiers: ClinVar variation 833105 (VCV000833105.8).